The following is an entry in ClinVar:

ClinVar aggregate classification (germline): Conflicting classifications of pathogenicity. Review status: criteria provided, conflicting classifications (1 of 4 stars). 3 submissions from 3 submitters: Uncertain significance (1); Likely benign (1). 1 of the submissions does not count toward it. Last evaluated 2025-12-28.

Conditions:
FOCAD-related disorder. Also called: FOCAD-related condition.
Inborn genetic diseases. Identifiers: MedGen C0950123, MeSH D030342.

Allele frequency attached by ClinVar (database versions not stated): TOPMed 0.00004; gnomAD 0.00006; 1000 Genomes Project 30x 0.00016; 1000 Genomes Project 0.00020; ExAC 0.00037; gnomAD exomes 0.00039.
gnomAD v4.1: 128 of 1,614,050 alleles (0.0079%); highest among the groups gnomAD compares: Admixed American, 0.2%; no homozygotes.

Submissions (3):

Labcorp Genetics (formerly Invitae), Labcorp
Classification: Likely benign. Last evaluated: 2025-12-28. Review status: criteria provided, single submitter. Criteria: Invitae Variant Classification Sherloc (09022015). Collection method: clinical testing. Allele origin: germline.

Ambry Genetics
Classification: Uncertain significance for Inborn genetic diseases. Last evaluated: 2025-09-05. Review status: criteria provided, single submitter. Criteria: Ambry Variant Classification Scheme 2023. Collection method: clinical testing. Allele origin: germline.

PreventionGenetics, part of Exact Sciences
Classification: Likely benign for FOCAD-related condition. Last evaluated: 2022-03-04. Review status: no assertion criteria provided. Collection method: clinical testing. Allele origin: germline. Not counted in ClinVar's aggregate classification.
Comment: This variant is classified as likely benign based on ACMG/AMP sequence variant interpretation guidelines (Richards et al. 2015 PMID: 25741868, with internal and published modifications).

NM_001375567.1(FOCAD):c.4535G>T (p.Gly1512Val)

Gene: FOCAD (focadhesin; plus strand). Cytogenetic location: 9p21.3.
Variant type: single nucleotide variant.
Coding change: c.4535G>T on transcript NM_001375567.1 (MANE Select); coding-DNA position 4535, G replaced by T.
Protein change: p.Gly1512Val; replaces glycine 1512 with valine.
Molecular consequence: missense variant.
Genome position (GRCh38, 1-based): chr9:20,981,583, G>T. VCF-style: chr9-20981583-G-T. GRCh37 (hg19) VCF-style: chr9-20981582-G-T.
Other names: c.4430G>T, p.Gly1477Val (NM_001375568.1, NM_001375570.1); c.4535G>T, p.Gly1512Val (NM_017794.5); c.4535G>T (NM_017794.3); short protein forms G1512V, G1477V.
Identifiers: ClinVar variation 728088 (VCV000728088.7), dbSNP rs187249342, ClinGen allele CA5007965.